The following is an entry in ClinVar:

NM_003060.4(SLC22A5):c.350G>A (p.Trp117Ter)

Gene: SLC22A5 (solute carrier family 22 member 5; plus strand). Cytogenetic location: 5q31.1.
Variant type: single nucleotide variant.
Coding change: c.350G>A on transcript NM_003060.4 (MANE Select); coding-DNA position 350, G replaced by A.
Protein change: p.Trp117Ter; replaces tryptophan 117 with a stop codon.
Molecular consequence: nonsense.
Genome position (GRCh38, 1-based): chr5:132,370,322, G>A. VCF-style: chr5-132370322-G-A. GRCh37 (hg19) VCF-style: chr5-131706014-G-A.
Other names: c.350G>A, p.Trp117Ter (NM_001308122.2); short protein forms W117*.
Identifiers: ClinVar variation 2136331 (VCV002136331.5), dbSNP rs1165725533, ClinGen allele CA360802869.
Genomic context (GRCh38, chr5:132,370,322, plus strand): 5'-TGGAGCCGGGGCGCGACGTGGACCTGGGGCAGCTGGAGCAGGAGAGCTGTCTGGATGGCT[G>A]GGAGTTCAGTCAGGACGTCTACCTGTCCACCATTGTGACCGAGGTGGGTGCCGGCCCCTG-3'

ClinVar aggregate classification (germline): Pathogenic/Likely pathogenic. Review status: criteria provided, multiple submitters, no conflicts (2 of 4 stars). 2 submissions from 2 submitters: Pathogenic (1); Likely pathogenic (1). Last evaluated 2025-06-01.

Conditions:
SLC22A5-related disorder. Also called: SLC22A5-related condition.
Renal carnitine transport defect (CDSP). Also called: CARNITINE DEFICIENCY, SYSTEMIC, DUE TO DEFECT IN RENAL REABSORPTION OF CARNITINE; CARNITINE TRANSPORTER, PLASMA-MEMBRANE, DEFICIENCY OF; CARNITINE UPTAKE DEFECT; Carnitine transporter deficiency; Carnitine Deficiency, Systemic; Systemic primary carnitine deficiency disease. Identifiers: Orphanet 158, MedGen C0342788, MONDO:0008919, OMIM 212140.

Allele frequency attached by ClinVar (database versions not stated): gnomAD exomes below 0.00001.

Submissions (2):

Labcorp Genetics (formerly Invitae), Labcorp
Classification: Pathogenic for Renal carnitine transport defect. Last evaluated: 2025-06-01. Review status: criteria provided, single submitter. Criteria: Invitae Variant Classification Sherloc (09022015). Collection method: clinical testing. Allele origin: germline.
Comment: This sequence change creates a premature translational stop signal (p.Trp117*) in the SLC22A5 gene. It is expected to result in an absent or disrupted protein product. Loss-of-function variants in SLC22A5 are known to be pathogenic (PMID: 9916797). This variant is present in population databases (no rsID available, gnomAD 0.0009%). This premature translational stop signal has been observed in individual(s) with clinical features of primary carnitine deficiency (PMID: 20574985). ClinVar contains an entry for this variant (Variation ID: 2136331). For these reasons, this variant has been classified as Pathogenic.

Blueprint Genetics
Classification: Likely pathogenic for SLC22A5-related disorders. Last evaluated: 2019-02-19. Review status: criteria provided, single submitter. Criteria: ACMG Guidelines, 2015. Collection method: clinical testing. Allele origin: germline. Affected: yes. Observed: 2 variant alleles.

Literature cited by the submitters: PubMed 9916797 (cited by Labcorp Genetics (formerly Invitae), Labcorp); PubMed 20574985 (cited by Labcorp Genetics (formerly Invitae), Labcorp).